The following is an entry in ClinVar:

NM_032119.4(ADGRV1):c.1955T>C (p.Ile652Thr)

Gene: ADGRV1 (adhesion G protein-coupled receptor V1; plus strand). Cytogenetic location: 5q14.3.
Variant type: single nucleotide variant.
Coding change: c.1955T>C on transcript NM_032119.4 (MANE Select); coding-DNA position 1955, T replaced by C.
Protein change: p.Ile652Thr; replaces isoleucine 652 with threonine.
Molecular consequence: missense variant. On other transcripts: non-coding transcript variant (1).
Genome position (GRCh38, 1-based): chr5:90,635,229, T>C. VCF-style: chr5-90635229-T-C. GRCh37 (hg19) VCF-style: chr5-89931046-T-C.
Other names: short protein forms I652T.
Identifiers: ClinVar variation 1331126 (VCV001331126.3), dbSNP rs772209095, ClinGen allele CA3338788.

ClinVar aggregate classification (germline): Uncertain significance. Review status: criteria provided, multiple submitters, no conflicts (2 of 4 stars). 2 submissions from 2 submitters: Uncertain significance (2). Last evaluated 2021-06-30.

Allele frequency attached by ClinVar (database versions not stated): gnomAD exomes below 0.00001 and 0.00001; TOPMed below 0.00001; ExAC 0.00001; gnomAD 0.00001.
gnomAD v4.1: 4 of 1,612,946 alleles (0.00025%); highest among the groups gnomAD compares: Admixed American, 0.0017%; no homozygotes.

Submissions (2):

GeneDx
Classification: Uncertain significance. Last evaluated: 2021-06-30. Review status: criteria provided, single submitter. Criteria: GeneDx Variant Classification Process June 2021. Collection method: clinical testing. Allele origin: germline. Affected: yes.
Comment: Not observed at significant frequency in large population cohorts (Lek et al., 2016); In silico analysis supports that this missense variant has a deleterious effect on protein structure/function; Has not been previously published as pathogenic or benign to our knowledge; This variant is associated with the following publications: (PMID: 20440071, 27535533)

Blueprint Genetics
Classification: Uncertain significance. Last evaluated: 2018-08-14. Review status: criteria provided, single submitter. Criteria: ACMG Guidelines, 2015. Collection method: clinical testing. Allele origin: germline.